The following is an entry in ClinVar:

NM_006270.5(RRAS):c.397G>A (p.Asp133Asn)

Gene: RRAS (RAS related; minus strand). Cytogenetic location: 19q13.33.
Variant type: single nucleotide variant.
Coding change: c.397G>A on transcript NM_006270.5 (MANE Select); coding-DNA position 397, G replaced by A.
Protein change: p.Asp133Asn; replaces aspartic acid 133 with asparagine.
Molecular consequence: missense variant.
Genome position (GRCh38, 1-based): chr19:49,636,675, C>T on the plus strand (G>A on the coding strand, the complement: RRAS is on the minus strand). VCF-style: chr19-49636675-C-T. GRCh37 (hg19) VCF-style: chr19-50139932-C-T.
Other names: short protein forms D133N.
Identifiers: ClinVar variation 457987 (VCV000457987.46), dbSNP rs61760904, ClinGen allele CA9579032.

ClinVar aggregate classification (germline): Benign/Likely benign. Review status: criteria provided, multiple submitters, no conflicts (2 of 4 stars). 8 submissions from 8 submitters: Benign (5); Likely benign (2). 1 of the submissions does not count toward it. Last evaluated 2026-08-01.

Conditions:
RRAS-related disorder. Also called: RRAS-related condition.
Noonan syndrome (NS). Also called: Noonan's syndrome. Identifiers: Orphanet 648, MedGen C0028326, MeSH D009634, MONDO:0018997. Disease mechanism: gain of function.

Allele frequency attached by ClinVar (database versions not stated): 1000 Genomes Project 30x 0.00156; 1000 Genomes Project 0.00160; gnomAD 0.00384 and 0.00394; TOPMed 0.00393; gnomAD exomes 0.00431; ESP Exome Variant Server 0.00454; ExAC 0.00500.

Submissions (8):

CeGaT Center for Human Genetics Tuebingen
Classification: Likely benign. Last evaluated: 2026-08-01. Review status: criteria provided, single submitter. Criteria: CeGaT Center For Human Genetics Tuebingen Variant Classification Criteria Version 2. Collection method: clinical testing. Allele origin: germline. Affected: yes. Observed: 5 variant alleles.
Comment: RRAS: BS2

Labcorp Genetics (formerly Invitae), Labcorp
Classification: Benign for Noonan syndrome. Last evaluated: 2026-02-01. Review status: criteria provided, single submitter. Criteria: Invitae Variant Classification Sherloc (09022015). Collection method: clinical testing. Allele origin: germline.

Blueprint Genetics
Classification: Likely benign. Last evaluated: 2024-11-12. Review status: criteria provided, single submitter. Criteria: ACMG Guidelines, 2015. Collection method: clinical testing. Allele origin: germline.

GeneDx
Classification: Benign. Last evaluated: 2020-06-01. Review status: criteria provided, single submitter. Criteria: GeneDx Variant Classification Process June 2021. Collection method: clinical testing. Allele origin: germline. Affected: yes.

Laboratory for Molecular Medicine, Mass General Brigham Personalized Medicine
Classification: Benign. Last evaluated: 2018-12-28. Review status: criteria provided, single submitter. Criteria: LMM Criteria. Collection method: clinical testing. Allele origin: germline. Observed: 1 variant allele.
Comment: p.Asp133Asn in exon 4 of RRAS: This variant is not expected to have clinical significance because it has been identified in 0.84% (558/66576) of European chromosomes by the Exome Aggregation Consortium (ExAC; dbSNP rs61760904).

Women's Health and Genetics/Laboratory Corporation of America, LabCorp
Classification: Benign. Last evaluated: 2017-04-11. Review status: criteria provided, single submitter. Criteria: LabCorp Variant Classification Summary - May 2015. Collection method: clinical testing. Allele origin: germline.
Comment: Variant summary: The RRAS c.397G>A (p.Asp133Asn) variant involves the alteration of a conserved nucleotide, resulting in missense change. 2/4 in silico tools predict a benign outcome for this variant (SNPs&GO not captured due to low reliability index). This variant was found in 605/121088 control chromosomes (including one homozygote) from ExAC at a frequency of 0.0049964, which is approximately 1999 times the estimated maximal expected allele frequency of a pathogenic RRAS variant (0.0000025), suggesting this variant is likely a benign polymorphism. Taken together, this variant is classified as Benign.

Breakthrough Genomics
Classification: Benign. Review status: criteria provided, single submitter. Criteria: ACMG Guidelines, 2015. Collection method: not provided. Allele origin: germline. Inheritance: Unknown mechanism. Affected: yes.

PreventionGenetics, part of Exact Sciences
Classification: Benign for RRAS-related condition. Last evaluated: 2019-05-30. Review status: no assertion criteria provided. Collection method: clinical testing. Allele origin: germline. Not counted in ClinVar's aggregate classification.
Comment: This variant is classified as benign based on ACMG/AMP sequence variant interpretation guidelines (Richards et al. 2015 PMID: 25741868, with internal and published modifications).